The following is an entry in ClinVar:

ClinVar aggregate classification (germline): Uncertain significance (1 of 4 stars; one submission).

gnomAD v4.1: 4 of 1,611,928 alleles (0.00025%); highest among the groups gnomAD compares: South Asian, 0.0022%; 1 homozygote.

Submission:

Women's Health and Genetics/Laboratory Corporation of America, LabCorp
Classification: Uncertain significance. Last evaluated: 2026-04-15. Review status: criteria provided, single submitter. Criteria: LabCorp Variant Classification Summary - May 2015. Collection method: clinical testing. Allele origin: germline.
Comment: Variant summary: RDH5 c.710A>C (p.Tyr237Ser) results in a non-conservative amino acid change in the encoded protein sequence. Algorithms developed to predict the effect of missense changes on protein structure and function all suggest that this variant is likely to be disruptive. The variant allele was found at a frequency of 1.2e-05 in 248178 control chromosomes in the gnomAD database, including 1 homozygote. The available data on variant occurrences in the general population are insufficient to allow any conclusion about variant significance. c.710A>C has been observed in an individual affected with Fundus albipunctatus (Sergouniotis_2011). These data do not allow any conclusion about variant significance. To our knowledge, no experimental evidence demonstrating an impact on protein function has been reported. The following publications have been ascertained in the context of this evaluation (PMID: 21529959, 38219857). No submitters have cited clinical-significance assessments for this variant to ClinVar. Based on the evidence outlined above, the variant was classified as uncertain significance.

Literature cited by the submitters: PubMed 38219857; PubMed 21529959.

NM_002905.5(RDH5):c.710A>C (p.Tyr237Ser)

Genes: BLOC1S1-RDH5 (BLOC1S1-RDH5 readthrough; plus strand), CD63 (CD63 molecule; minus strand), RDH5 (retinol dehydrogenase 5; plus strand). Cytogenetic location: 12q13.2.
Variant type: single nucleotide variant.
Coding change: c.710A>C on transcript NM_002905.5 (MANE Select); coding-DNA position 710, A replaced by C.
Protein change: p.Tyr237Ser; replaces tyrosine 237 with serine.
Molecular consequence: missense variant. On other transcripts: non-coding transcript variant (1), 3 prime UTR variant (2).
Genome position (GRCh38, 1-based): chr12:55,724,026, A>C. VCF-style: chr12-55724026-A-C. GRCh37 (hg19) VCF-style: chr12-56117810-A-C.
Other names: c.710A>C, p.Tyr237Ser (NM_001199771.3); c.*1038T>G (NM_001413284.1); c.*1053T>G (NM_001413285.1); short protein forms Y237S.
Identifiers: ClinVar variation 4848515 (VCV004848515.1).
Genomic context (GRCh38, chr12:55,724,026, plus strand): 5'-GTCTGGAGAAAACCCTGCAGGCCTGCTGGGCACGGCTGCCTCCTGCCACACAGGCCCACT[A>C]TGGGGGGGCCTTCCTCACCAAGTGTGAGTAGCCAGGCCCACACAGGGGCACATGAAGGGA-3'
Protein context (NP_002896.2, residues 227-247): ARLPPATQAH[Tyr237Ser]GGAFLTKYLK